The following is an entry in ClinVar:

NM_001292063.2(OTOG):c.94+36C>T

Gene: OTOG (otogelin; plus strand). Cytogenetic location: 11p15.1.
Variant type: single nucleotide variant.
Coding change: c.94+36C>T on transcript NM_001292063.2 (MANE Select); 36 bases into the intron after coding-DNA position 94, C replaced by T.
Molecular consequence: intron variant. On other transcripts: nonsense (1).
Genome position (GRCh38, 1-based): chr11:17,547,502, C>T. VCF-style: chr11-17547502-C-T. GRCh37 (hg19) VCF-style: chr11-17569049-C-T.
Other names: c.130C>T, p.Arg44Ter (NM_001277269.2); short protein forms R44*.
Identifiers: ClinVar variation 3695971 (VCV003695971.2).

ClinVar aggregate classification (germline): Pathogenic (1 of 4 stars; one submission).

gnomAD v4.1: 30 of 1,319,254 alleles (0.0023%); highest among the groups gnomAD compares: African/African-American, 0.0031%; no homozygotes.

Submission:

Labcorp Genetics (formerly Invitae), Labcorp
Classification: Pathogenic. Last evaluated: 2024-10-02. Review status: criteria provided, single submitter. Criteria: Invitae Variant Classification Sherloc (09022015). Collection method: clinical testing. Allele origin: germline.
Comment: This sequence change creates a premature translational stop signal (p.Arg44*) in the OTOG gene. It is expected to result in an absent or disrupted protein product. Loss-of-function variants in OTOG are known to be pathogenic (PMID: 23122587). This variant is not present in population databases (gnomAD no frequency). This variant has not been reported in the literature in individuals affected with OTOG-related conditions. For these reasons, this variant has been classified as Pathogenic.

Literature cited by the submitters: PubMed 23122587.